The following is an entry in ClinVar:

ClinVar aggregate classification (germline): Uncertain significance (1 of 4 stars; one submission).

Submission:

Labcorp Genetics (formerly Invitae), Labcorp
Classification: Uncertain significance. Last evaluated: 2024-11-17. Review status: criteria provided, single submitter. Criteria: Invitae Variant Classification Sherloc (09022015). Collection method: clinical testing. Allele origin: germline.
Comment: This variant, c.228_248del, results in the deletion of 7 amino acid(s) of the RUNX2 protein (p.Ala83_Ala89del), but otherwise preserves the integrity of the reading frame. The frequency data for this variant in the population databases is considered unreliable, as metrics indicate poor data quality at this position in the gnomAD database. This variant has been observed in individual(s) with cleidocranial dysplasia (internal data). ClinVar contains an entry for this variant (Variation ID: 1521900). In summary, the available evidence is currently insufficient to determine the role of this variant in disease. Therefore, it has been classified as a Variant of Uncertain Significance.

NM_001024630.4(RUNX2):c.228_248del (p.Ala83_Ala89del)

Genes: RUNX2 (RUNX family transcription factor 2; plus strand), LOC109611589 (runt related transcription factor 2 polyalanine expansion region; plus strand). Cytogenetic location: 6p21.1.
Variant type: Deletion.
Coding change: c.228_248del on transcript NM_001024630.4 (MANE Select); coding-DNA positions 228 to 248, 21 bases deleted (GGCTGCGGCGGCGGCGGCGGC).
Protein change: p.Ala83_Ala89del.
Molecular consequence: inframe deletion.
Genome position (GRCh38, 1-based): chr6:45,422,762-45,422,782, GGCTGCGGCGGCGGCGGCGGC deleted; deleting any 21 consecutive bases within chr6:45,422,750-45,422,782 gives the same sequence; the c. name uses the placement nearest the transcript's 3' end. VCF-style (leftmost placement, unchanged base first): chr6-45422749-AGGCGGCGGCGGCGGCTGCGGC-A. GRCh37 (hg19) VCF-style: chr6-45390486-AGGCGGCGGCGGCGGCTGCGGC-A.
Other names: c.228_248del, p.Ala83_Ala89del (NM_001015051.4); c.186_206del, p.Ala69_Ala75del (NM_001278478.2, NM_001369405.1).
Identifiers: ClinVar variation 1521900 (VCV001521900.6), dbSNP rs770723869, ClinGen allele CA3836311.